The following is an entry in ClinVar:

NM_001376.5(DYNC1H1):c.12480G>A (p.Thr4160=)

Gene: DYNC1H1 (dynein cytoplasmic 1 heavy chain 1; plus strand). Cytogenetic location: 14q32.31.
Variant type: single nucleotide variant.
Coding change: c.12480G>A on transcript NM_001376.5 (MANE Select); coding-DNA position 12480, G replaced by A.
Protein change: p.Thr4160=; no amino-acid change (threonine 4160 retained).
Molecular consequence: synonymous variant.
Genome position (GRCh38, 1-based): chr14:102,042,715, G>A. VCF-style: chr14-102042715-G-A. GRCh37 (hg19) VCF-style: chr14-102509052-G-A.
Other names: p.Thr4160=.
Identifiers: ClinVar variation 697385 (VCV000697385.40), dbSNP rs531519870, ClinGen allele CA7353936.

ClinVar aggregate classification (germline): Likely benign. Review status: criteria provided, multiple submitters, no conflicts (2 of 4 stars). 3 submissions from 3 submitters: Likely benign (3). Last evaluated 2025-11-15.

Conditions:
Charcot-Marie-Tooth disease axonal type 2O. Also called: Charcot-Marie-Tooth Neuropathy Type 2O; Charcot-Marie-Tooth disease, axonal, type 20; CHARCOT-MARIE-TOOTH NEUROPATHY, AXONAL, TYPE 2O; CHARCOT-MARIE-TOOTH DISEASE, AXONAL, AUTOSOMAL DOMINANT, TYPE 2O. Identifiers: Orphanet 284232, MedGen C3280220, MONDO:0013644, OMIM 614228.

Allele frequency attached by ClinVar (database versions not stated): ExAC 0.00001; gnomAD 0.00002 and 0.00003; gnomAD exomes 0.00002 and 0.00004; TOPMed 0.00002; 1000 Genomes Project 30x 0.00016; 1000 Genomes Project 0.00020.
gnomAD v4.1: 56 of 1,614,188 alleles (0.0035%); highest among the groups gnomAD compares: Non-Finnish European, 0.0044%; no homozygotes.

Submissions (3):

Mayo Clinic Laboratories, Mayo Clinic
Classification: Likely benign. Last evaluated: 2025-11-15. Review status: criteria provided, single submitter. Criteria: ACMG Guidelines, 2015. Collection method: clinical testing. Allele origin: germline. Observed: 1 variant allele.
Comment: BP4, BP7

Labcorp Genetics (formerly Invitae), Labcorp
Classification: Likely benign for Charcot-Marie-Tooth disease axonal type 2O. Last evaluated: 2024-09-08. Review status: criteria provided, single submitter. Criteria: Invitae Variant Classification Sherloc (09022015). Collection method: clinical testing. Allele origin: germline.

CeGaT Center for Human Genetics Tuebingen
Classification: Likely benign. Last evaluated: 2022-04-01. Review status: criteria provided, single submitter. Criteria: CeGaT Center For Human Genetics Tuebingen Variant Classification Criteria Version 2. Collection method: clinical testing. Allele origin: germline. Affected: yes. Observed: 1 variant allele.
Comment: DYNC1H1: BP4, BP7